The following is an entry in ClinVar:

NM_001267550.2(TTN):c.8753G>T (p.Gly2918Val)

Gene: TTN (titin; minus strand). Cytogenetic location: 2q31.2.
Variant type: single nucleotide variant.
Coding change: c.8753G>T on transcript NM_001267550.2 (MANE Select); coding-DNA position 8753, G replaced by T.
Protein change: p.Gly2918Val; replaces glycine 2918 with valine.
Molecular consequence: missense variant.
Genome position (GRCh38, 1-based): chr2:178,769,828, C>A on the plus strand (G>T on the coding strand, the complement: TTN is on the minus strand). VCF-style: chr2-178769828-C-A. GRCh37 (hg19) VCF-style: chr2-179634555-C-A.
Other names: c.8753G>T, p.Gly2918Val (NM_001256850.1, NM_133378.4, NM_133379.5); c.8615G>T, p.Gly2872Val (NM_003319.4, NM_133432.3, NM_133437.4); short protein forms G2872V, G2918V.
Identifiers: ClinVar variation 2651716 (VCV002651716.24), dbSNP rs746575522, ClinGen allele CA349676673.

ClinVar aggregate classification (germline): Uncertain significance (1 of 4 stars; one submission).

Submission:

CeGaT Center for Human Genetics Tuebingen
Classification: Uncertain significance. Last evaluated: 2023-04-01. Review status: criteria provided, single submitter. Criteria: CeGaT Center For Human Genetics Tuebingen Variant Classification Criteria Version 2. Collection method: clinical testing. Allele origin: germline. Affected: yes. Observed: 1 variant allele.
Comment: TTN: PM2